The following is an entry in ClinVar:

ClinVar aggregate classification (germline): Pathogenic/Likely pathogenic. Review status: criteria provided, multiple submitters, no conflicts (2 of 4 stars). 2 submissions from 2 submitters: Pathogenic (1); Likely pathogenic (1). Last evaluated 2023-01-23.

Conditions:
ADGRV1-related disorder. Also called: ADGRV1-related condition; ADGRV1-related disorders.

Submissions (2):

Labcorp Genetics (formerly Invitae), Labcorp
Classification: Pathogenic. Last evaluated: 2023-01-23. Review status: criteria provided, single submitter. Criteria: Invitae Variant Classification Sherloc (09022015). Collection method: clinical testing. Allele origin: germline.
Comment: For these reasons, this variant has been classified as Pathogenic. This variant has not been reported in the literature in individuals affected with ADGRV1-related conditions. This variant is not present in population databases (gnomAD no frequency). This sequence change creates a premature translational stop signal (p.Trp2964*) in the ADGRV1 gene. It is expected to result in an absent or disrupted protein product. Loss-of-function variants in ADGRV1 are known to be pathogenic (PMID: 19357117, 22135276, 22147658, 26226137, 30718709, 31047384, 32467589).

Blueprint Genetics
Classification: Likely pathogenic for ADGRV1-related disorders. Last evaluated: 2018-07-23. Review status: criteria provided, single submitter. Criteria: ACMG Guidelines, 2015. Collection method: clinical testing. Allele origin: germline. Affected: yes. Observed: 1 variant allele.

Literature cited by the submitters: PubMed 19357117 (cited by Labcorp Genetics (formerly Invitae), Labcorp); PubMed 22135276 (cited by Labcorp Genetics (formerly Invitae), Labcorp); PubMed 22147658 (cited by Labcorp Genetics (formerly Invitae), Labcorp); PubMed 26226137 (cited by Labcorp Genetics (formerly Invitae), Labcorp); PubMed 30718709 (cited by Labcorp Genetics (formerly Invitae), Labcorp); PubMed 31047384 (cited by Labcorp Genetics (formerly Invitae), Labcorp); PubMed 32467589 (cited by Labcorp Genetics (formerly Invitae), Labcorp).

NM_032119.4(ADGRV1):c.8892G>A (p.Trp2964Ter)

Gene: ADGRV1 (adhesion G protein-coupled receptor V1; plus strand). Cytogenetic location: 5q14.3.
Variant type: single nucleotide variant.
Coding change: c.8892G>A on transcript NM_032119.4 (MANE Select); coding-DNA position 8892, G replaced by A.
Protein change: p.Trp2964Ter; replaces tryptophan 2964 with a stop codon.
Molecular consequence: nonsense. On other transcripts: non-coding transcript variant (1).
Genome position (GRCh38, 1-based): chr5:90,711,048, G>A. VCF-style: chr5-90711048-G-A. GRCh37 (hg19) VCF-style: chr5-90006865-G-A.
Other names: short protein forms W2964*.
Identifiers: ClinVar variation 2786006 (VCV002786006.4), dbSNP rs2531143837, ClinGen allele CA360395430.